The following is an entry in ClinVar:

NM_014714.4(IFT140):c.*235C>A

Gene: IFT140 (intraflagellar transport 140; minus strand). Cytogenetic location: 16p13.3.
Variant type: single nucleotide variant.
Coding change: c.*235C>A on transcript NM_014714.4 (MANE Select); 235 bases downstream of the stop codon, C replaced by A.
Molecular consequence: 3 prime UTR variant.
Genome position (GRCh38, 1-based): chr16:1,510,709, G>T on the plus strand (C>A on the coding strand, the complement: IFT140 is on the minus strand). VCF-style: chr16-1510709-G-T. GRCh37 (hg19) VCF-style: chr16-1560710-G-T.
Identifiers: ClinVar variation 317976 (VCV000317976.5), dbSNP rs184405274, ClinGen allele CA10642973.
Genomic context (GRCh38, chr16:1,510,709, plus strand): 5'-TTACAATGTGTAGTTGGGAGAATACGATGGAAGGGTGAACCCGACTCCCTTCAAAGGAAT[G>T]AATCCAAAAATCTAGTGGAGCTGCCGGGCACCCAGAGGCAGGTGGGACAGAGCAAGGTGC-3'

ClinVar aggregate classification (germline): Benign (1 of 4 stars; one submission).

Conditions:
Saldino-Mainzer syndrome (SRTD9). Also called: Renal dysplasia, retinal pigmentary dystrophy, cerebellar ataxia and skeletal dysplasia; SHORT-RIB THORACIC DYSPLASIA 9 WITHOUT POLYDACTYLY; CONORENAL SYNDROME; short-rib thoracic dysplasia 9 with or without polydactyly. Identifiers: Orphanet 140969, MedGen C1849437, MONDO:0009964, OMIM 266920.

Allele frequency attached by ClinVar (database versions not stated): gnomAD 0.00040 and 0.00056; TOPMed 0.00079; gnomAD exomes 0.00111; 1000 Genomes Project 30x 0.00328; 1000 Genomes Project 0.00419.
gnomAD v4.1: 555 of 593,242 alleles (0.094%); highest among the groups gnomAD compares: East Asian, 1.5%; 9 homozygotes.

Submission:

Illumina Laboratory Services, Illumina
Classification: Benign for Saldino-Mainzer syndrome. Last evaluated: 2018-01-12. Review status: criteria provided, single submitter. Criteria: ICSL Variant Classification Criteria 13 December 2019. Collection method: clinical testing. Allele origin: germline.
Comment: This variant was observed in the ICSL laboratory as part of a predisposition screen in an ostensibly healthy population. It had not been previously curated by ICSL or reported in the Human Gene Mutation Database (HGMD: prior to June 1st, 2018), and was therefore a candidate for classification through an automated scoring system. Utilizing variant allele frequency, disease prevalence and penetrance estimates, and inheritance mode, an automated score was calculated to assess if this variant is too frequent to cause the disease. Based on the score and internal cut-off values, a variant classified as benign is not then subjected to further curation. The score for this variant resulted in a classification of benign for this disease.